The following is an entry in ClinVar:

ClinVar aggregate classification (germline): Uncertain significance. Review status: criteria provided, multiple submitters, no conflicts (2 of 4 stars). 2 submissions from 2 submitters: Uncertain significance (2). Last evaluated 2023-09-06.

Conditions:
TTN-related disorder. Also called: TTN-related condition; TTN-related disease; TTN-related disorders.
Dilated cardiomyopathy 1G (CMD1G). Identifiers: Orphanet 154, MedGen C1858763, MONDO:0011400, OMIM 604145.
Autosomal recessive limb-girdle muscular dystrophy type 2J (LGMDR10). Also called: Limb-girdle muscular dystrophy, type 2J; MUSCULAR DYSTROPHY, LIMB-GIRDLE, AUTOSOMAL RECESSIVE 10. Identifiers: Orphanet 140922, MedGen C1837342, MONDO:0012127, OMIM 608807.

Allele frequency attached by ClinVar (database versions not stated): gnomAD 0.00002; gnomAD exomes 0.00002; TOPMed 0.00002.
gnomAD v4.1: 16 of 1,613,864 alleles (0.00099%); highest among the groups gnomAD compares: East Asian, 0.013%; no homozygotes.

Submissions (2):

PreventionGenetics, part of Exact Sciences
Classification: Uncertain significance for TTN-related condition. Last evaluated: 2023-09-06. Review status: criteria provided, single submitter. Criteria: ACMG Guidelines, 2015. Collection method: clinical testing. Allele origin: germline.
Comment: The TTN c.104281C>T variant is predicted to result in the amino acid substitution p.Arg34761Trp. To our knowledge, this variant has not been reported in the literature. This variant is reported in 0.0065% of alleles in individuals of African descent in gnomAD. At this time, the clinical significance of this variant is uncertain due to the absence of conclusive functional and genetic evidence.

Labcorp Genetics (formerly Invitae), Labcorp
Classification: Uncertain significance for Dilated cardiomyopathy 1G; Autosomal recessive limb-girdle muscular dystrophy type 2J. Last evaluated: 2018-09-06. Review status: criteria provided, single submitter. Criteria: Invitae Variant Classification Sherloc (09022015). Collection method: clinical testing. Allele origin: germline.
Comment: This sequence change replaces arginine with tryptophan at codon 34761 of the TTN protein (p.Arg34761Trp).¬† There is a moderate physicochemical difference between arginine and tryptophan. This variant is not present in population databases (ExAC no frequency). This variant has not been reported in the literature in individuals with TTN-related disease. This variant is located in the M band of TTN (PMID: 25589632).¬†Variants in this region may be relevant for neuromuscular disorders, but have not been definitively shown to cause cardiomyopathy (PMID: 23975875). Algorithms developed to predict the effect of missense changes on protein structure and function are unavailable for the TTN gene. In summary, the available evidence is currently insufficient to determine the role of this variant in disease. Therefore, it has been classified as a Variant of Uncertain Significance.

Literature cited by the submitters: PubMed 25589632 (cited by Labcorp Genetics (formerly Invitae), Labcorp); PubMed 23975875 (cited by Labcorp Genetics (formerly Invitae), Labcorp).

NM_001267550.2(TTN):c.104281C>T (p.Arg34761Trp)

Genes: TTN-AS1 (TTN antisense RNA 1; plus strand), TTN (titin; minus strand). Cytogenetic location: 2q31.2.
Variant type: single nucleotide variant.
Coding change: c.104281C>T on transcript NM_001267550.2 (MANE Select); coding-DNA position 104281, C replaced by T.
Protein change: p.Arg34761Trp; replaces arginine 34761 with tryptophan.
Molecular consequence: missense variant.
Genome position (GRCh38, 1-based): chr2:178,532,334, G>A on the plus strand (C>T on the coding strand, the complement: TTN is on the minus strand). VCF-style: chr2-178532334-G-A. GRCh37 (hg19) VCF-style: chr2-179397061-G-A.
Other names: c.99358C>T, p.Arg33120Trp (NM_001256850.1); c.77086C>T, p.Arg25696Trp (NM_003319.4); c.96577C>T, p.Arg32193Trp (NM_133378.4); c.77461C>T, p.Arg25821Trp (NM_133432.3); c.77662C>T, p.Arg25888Trp (NM_133437.4); short protein forms R25821W, R33120W, R25888W, R32193W, R25696W, R34761W.
Identifiers: ClinVar variation 642194 (VCV000642194.11), dbSNP rs879071113, ClinGen allele CA60956332.
Genomic context (GRCh38, chr2:178,532,334, plus strand): 5'-GGGTGGTCGTAACTGGGCGAAGCAACTCTTCATCCTCCCTCTCAGCCATGATTCTTTGCC[G>A]TTGCTTTGGCTGTCTGTACGCAGCCTGGGCATGCCGTTCCCTCAGTTCTGCATAACTTGT-3'
Protein context (NP_001254479.2, residues 34751-34771): AQAAYRQPKQ[Arg34761Trp]QRIMAEREDE